The following is an entry in ClinVar:

ClinVar aggregate classification (germline): Uncertain significance (1 of 4 stars; one submission).

Conditions:
Hereditary cancer-predisposing syndrome. Also called: Tumor predisposition; Hereditary Cancer Syndrome; Neoplastic Syndromes, Hereditary; Hereditary neoplastic syndrome. Identifiers: Orphanet 140162, MedGen C0027672, MeSH D009386, MONDO:0015356.

Submission:

Ambry Genetics
Classification: Uncertain significance for Hereditary cancer-predisposing syndrome. Last evaluated: 2022-04-05. Review status: criteria provided, single submitter. Criteria: Ambry Variant Classification Scheme 2023. Collection method: clinical testing. Allele origin: germline.
Comment: The p.R945P variant (also known as c.2834G>C), located in coding exon 17 of the PTCH1 gene, results from a G to C substitution at nucleotide position 2834. The arginine at codon 945 is replaced by proline, an amino acid with dissimilar properties. This amino acid position is conserved. In addition, this alteration is predicted to be tolerated by in silico analysis. Since supporting evidence is limited at this time, the clinical significance of this alteration remains unclear.

NM_000264.5(PTCH1):c.2834G>C (p.Arg945Pro)

Gene: PTCH1 (patched 1; minus strand). Cytogenetic location: 9q22.32.
Variant type: single nucleotide variant.
Coding change: c.2834G>C on transcript NM_000264.5 (MANE Select); coding-DNA position 2834, G replaced by C.
Protein change: p.Arg945Pro; replaces arginine 945 with proline.
Molecular consequence: missense variant. On other transcripts: non-coding transcript variant (1).
Genome position (GRCh38, 1-based): chr9:95,459,653, C>G on the plus strand (G>C on the coding strand, the complement: PTCH1 is on the minus strand). VCF-style: chr9-95459653-C-G. GRCh37 (hg19) VCF-style: chr9-98221935-C-G.
Other names: c.2636G>C, p.Arg879Pro (NM_001083602.3); c.2831G>C, p.Arg944Pro (NM_001083603.3); c.2381G>C, p.Arg794Pro (NM_001083604.3, NM_001083605.3, NM_001083606.3 and 1 more transcripts); c.2678G>C, p.Arg893Pro (NM_001354918.2); short protein forms R893P, R944P, R879P, R794P, R945P.
Identifiers: ClinVar variation 1796627 (VCV001796627.2), dbSNP rs201118857, ClinGen allele CA374112984.